The following is an entry in ClinVar:

NM_001083619.3(GRIA2):c.1915G>A (p.Ala639Thr)

Gene: GRIA2 (glutamate ionotropic receptor AMPA type subunit 2; plus strand). Cytogenetic location: 4q32.1.
Variant type: single nucleotide variant.
Coding change: c.1915G>A on transcript NM_001083619.3 (MANE Select); coding-DNA position 1915, G replaced by A.
Protein change: p.Ala639Thr; replaces alanine 639 with threonine.
Molecular consequence: missense variant.
Genome position (GRCh38, 1-based): chr4:157,341,334, G>A. VCF-style: chr4-157341334-G-A. GRCh37 (hg19) VCF-style: chr4-158262486-G-A.
Other names: c.1915G>A, p.Ala639Thr (NM_000826.6); c.1774G>A, p.Ala592Thr (NM_001083620.3, NM_001379000.3, NM_001379001.3); short protein forms A592T, A639T.
Identifiers: ClinVar variation 4088182 (VCV004088182.1).

ClinVar aggregate classification (germline): Pathogenic (1 of 4 stars; one submission).

Submission:

GeneDx
Classification: Pathogenic. Last evaluated: 2025-03-27. Review status: criteria provided, single submitter. Criteria: GeneDx Variant Classification Process June 2021. Collection method: clinical testing. Allele origin: germline. Affected: yes.
Comment: Not observed at significant frequency in large population cohorts (gnomAD); In silico analysis supports that this missense variant has a deleterious effect on protein structure/function; Has not been previously published as pathogenic or benign to our knowledge